The following is an entry in ClinVar:

NM_033068.3(ACP4):c.618G>A (p.Trp206Ter)

Gene: ACP4 (acid phosphatase 4; plus strand). Cytogenetic location: 19q13.33.
Variant type: single nucleotide variant.
Coding change: c.618G>A on transcript NM_033068.3 (MANE Select); coding-DNA position 618, G replaced by A.
Protein change: p.Trp206Ter; replaces tryptophan 206 with a stop codon.
Molecular consequence: nonsense.
Genome position (GRCh38, 1-based): chr19:50,792,310, G>A. VCF-style: chr19-50792310-G-A. GRCh37 (hg19) VCF-style: chr19-51295567-G-A.
Other names: short protein forms W206*.
Identifiers: ClinVar variation 1712025 (VCV001712025.2), dbSNP rs867268298, ClinGen allele CA309630138.
Genomic context (GRCh38, chr19:50,792,310, plus strand): 5'-GAGTCGCCTGGAGAACTTCACGGGACTGTCGCTGGTTGGAGAGCCACTGCGCAGGGCATG[G>A]AAGGTTCTGGACACCCTCATGTGCCAGGTGAGCCCTGCCCCTTCCCAGCCAAGGGTTTAA-3'

ClinVar aggregate classification (germline): Uncertain significance (1 of 4 stars; one submission).

Allele frequency attached by ClinVar (database versions not stated): gnomAD 0.00001; TOPMed 0.00001.
gnomAD v4.1: 1 of 1,613,318 alleles (0.000062%); highest among the groups gnomAD compares: African/African-American, 0.0013%; no homozygotes.

Submission:

GeneDx
Classification: Uncertain significance. Last evaluated: 2022-04-19. Review status: criteria provided, single submitter. Criteria: GeneDx Variant Classification Process June 2021. Collection method: clinical testing. Allele origin: germline. Affected: yes.
Comment: Not observed at significant frequency in large population cohorts (gnomAD); Nonsense variant predicted to result in protein truncation or nonsense mediated decay in a gene or region of a gene for which loss of function is not a well-established mechanism of disease; Has not been previously published as pathogenic or benign to our knowledge